The following is an entry in ClinVar:

ClinVar aggregate classification (germline): Uncertain significance (1 of 4 stars; one submission).

Conditions:
Hereditary cancer-predisposing syndrome. Also called: Tumor predisposition; Hereditary neoplastic syndrome; Hereditary Cancer Syndrome; Neoplastic Syndromes, Hereditary. Identifiers: Orphanet 140162, MedGen C0027672, MeSH D009386, MONDO:0015356.

Submission:

Ambry Genetics
Classification: Uncertain significance for Hereditary cancer-predisposing syndrome. Last evaluated: 2025-04-28. Review status: criteria provided, single submitter. Criteria: Ambry Variant Classification Scheme 2023. Collection method: clinical testing. Allele origin: germline.
Comment: The p.N898S variant (also known as c.2693A>G), located in coding exon 18 of the SMARCA4 gene, results from an A to G substitution at nucleotide position 2693. The asparagine at codon 898 is replaced by serine, an amino acid with highly similar properties. This amino acid position is conserved. In addition, the in silico prediction for this alteration is inconclusive. Based on the available evidence, the clinical significance of this variant remains unclear.

NM_003072.5(SMARCA4):c.2693A>G (p.Asn898Ser)

Gene: SMARCA4 (SWI/SNF related BAF chromatin remodeling complex subunit ATPase 4; plus strand). Cytogenetic location: 19p13.2.
Variant type: single nucleotide variant.
Coding change: c.2693A>G on transcript NM_003072.5 (MANE Select); coding-DNA position 2693, A replaced by G.
Protein change: p.Asn898Ser; replaces asparagine 898 with serine.
Molecular consequence: missense variant. On other transcripts: non-coding transcript variant (1).
Genome position (GRCh38, 1-based): chr19:11,021,801, A>G. VCF-style: chr19-11021801-A-G. GRCh37 (hg19) VCF-style: chr19-11132477-A-G.
Other names: c.2693A>G, p.Asn898Ser (NM_001128844.3, NM_001128845.2, NM_001128846.2 and 6 more transcripts); short protein forms N898S.
Identifiers: ClinVar variation 3958448 (VCV003958448.1).